The following is an entry in ClinVar:

ClinVar aggregate classification (germline): Benign (1 of 4 stars; one submission).

Allele frequency attached by ClinVar (database versions not stated): gnomAD 0.48814 and 0.49124; TOPMed 0.51077; 1000 Genomes Project 0.57368; 1000 Genomes Project 30x 0.57870.
gnomAD v4.1: 74,533 of 152,070 alleles (49%); highest among the groups gnomAD compares: African/African-American, 69%; 19,710 homozygotes.

Submission:

GeneDx
Classification: Benign. Last evaluated: 2018-06-15. Review status: criteria provided, single submitter. Criteria: GeneDx Variant Classification (06012015). Collection method: clinical testing. Allele origin: germline. Affected: yes.
Comment: This variant is considered likely benign or benign based on one or more of the following criteria: it is a conservative change, it occurs at a poorly conserved position in the protein, it is predicted to be benign by multiple in silico algorithms, and/or has population frequency not consistent with disease.

NM_006393.3(NEBL):c.2612-181T>C

Gene: NEBL (nebulette; minus strand). Cytogenetic location: 10p12.31.
Variant type: single nucleotide variant.
Coding change: c.2612-181T>C on transcript NM_006393.3 (MANE Select); 181 bases into the intron before coding-DNA position 2612, T replaced by C.
Molecular consequence: intron variant.
Genome position (GRCh38, 1-based): chr10:20,808,840, A>G on the plus strand (T>C on the coding strand, the complement: NEBL is on the minus strand). VCF-style: chr10-20808840-A-G. GRCh37 (hg19) VCF-style: chr10-21097769-A-G.
Other names: c.421+3929T>C (NM_001377326.1, NM_001377327.1, NM_001377328.1); c.529+3929T>C (NM_213569.2, NM_001173484.2); c.622+966T>C (NM_001377322.1); c.472+3929T>C (NM_001377324.1); c.463+3929T>C (NM_001377325.1); c.481+3929T>C (NM_001377323.1).
Identifiers: ClinVar variation 672914 (VCV000672914.1), dbSNP rs3758601, ClinGen allele CA13239118.